The following is an entry in ClinVar:

ClinVar aggregate classification (germline): Uncertain significance (1 of 4 stars; one submission).

Conditions:
Developmental and epileptic encephalopathy 94 (DEE94). Also called: CHD2-Related Neurodevelopmental Disorders; Epileptic encephalopathy, childhood-onset. Identifiers: Orphanet 1942, Orphanet 2382, MedGen C3809278, MONDO:0014150, OMIM 615369.

Submission:

Labcorp Genetics (formerly Invitae), Labcorp
Classification: Uncertain significance for Developmental and epileptic encephalopathy 94. Last evaluated: 2020-08-29. Review status: criteria provided, single submitter. Criteria: Invitae Variant Classification Sherloc (09022015). Collection method: clinical testing. Allele origin: germline.
Comment: This variant is not present in population databases (ExAC no frequency). This sequence change replaces threonine with isoleucine at codon 969 of the CHD2 protein (p.Thr969Ile). The threonine residue is highly conserved and there is a moderate physicochemical difference between threonine and isoleucine. This variant has not been reported in the literature in individuals with CHD2-related conditions. Advanced modeling of protein sequence and biophysical properties (such as structural, functional, and spatial information, amino acid conservation, physicochemical variation, residue mobility, and thermodynamic stability) performed at Invitae indicates that this missense variant is not expected to disrupt CHD2 protein function. In summary, the available evidence is currently insufficient to determine the role of this variant in disease. Therefore, it has been classified as a Variant of Uncertain Significance.

NM_001271.4(CHD2):c.2906C>T (p.Thr969Ile)

Genes: CHD2 (chromodomain helicase DNA binding protein 2; plus strand), LOC126862230 (P300/CBP strongly-dependent group 1 enhancer GRCh37_chr15:93523977-93525176; plus strand). Cytogenetic location: 15q26.1.
Variant type: single nucleotide variant.
Coding change: c.2906C>T on transcript NM_001271.4 (MANE Select); coding-DNA position 2906, C replaced by T.
Protein change: p.Thr969Ile; replaces threonine 969 with isoleucine.
Molecular consequence: missense variant.
Genome position (GRCh38, 1-based): chr15:92,980,844, C>T. VCF-style: chr15-92980844-C-T. GRCh37 (hg19) VCF-style: chr15-93524074-C-T.
Other names: short protein forms T969I.
Identifiers: ClinVar variation 1052356 (VCV001052356.9), dbSNP rs2053970198, ClinGen allele CA393894659.